The following is an entry in ClinVar:

ClinVar aggregate classification (germline): Uncertain significance (1 of 4 stars; one submission).

Submission:

Labcorp Genetics (formerly Invitae), Labcorp
Classification: Uncertain significance. Last evaluated: 2024-09-06. Review status: criteria provided, single submitter. Criteria: Invitae Variant Classification Sherloc (09022015). Collection method: clinical testing. Allele origin: germline.
Comment: This sequence change replaces serine, which is neutral and polar, with tyrosine, which is neutral and polar, at codon 1191 of the NEXMIF protein (p.Ser1191Tyr). This variant is not present in population databases (gnomAD no frequency). This variant has not been reported in the literature in individuals affected with NEXMIF-related conditions. An algorithm developed to predict the effect of missense changes on protein structure and function (PolyPhen-2) suggests that this variant is likely to be disruptive. In summary, the available evidence is currently insufficient to determine the role of this variant in disease. Therefore, it has been classified as a Variant of Uncertain Significance.

NM_001008537.3(NEXMIF):c.3572C>A (p.Ser1191Tyr)

Gene: NEXMIF (neurite extension and migration factor; minus strand). Cytogenetic location: Xq13.3.
Variant type: single nucleotide variant.
Coding change: c.3572C>A on transcript NM_001008537.3 (MANE Select); coding-DNA position 3572, C replaced by A.
Protein change: p.Ser1191Tyr; replaces serine 1191 with tyrosine.
Molecular consequence: missense variant.
Genome position (GRCh38, 1-based): chrX:74,740,985, G>T on the plus strand (C>A on the coding strand, the complement: NEXMIF is on the minus strand). VCF-style: chrX-74740985-G-T. GRCh37 (hg19) VCF-style: chrX-73960820-G-T.
Other names: short protein forms S1191Y.
Identifiers: ClinVar variation 3664868 (VCV003664868.2).